The following is an entry in ClinVar:

ClinVar aggregate classification (germline): Uncertain significance (1 of 4 stars; one submission).

Conditions:
Neuroblastoma, susceptibility to, 3. Also called: ALK-Related Neuroblastic Tumor Susceptibility. Identifiers: Orphanet 635, MedGen C2751681, MONDO:0013083, OMIM 613014.

Allele frequency attached by ClinVar (database versions not stated): ExAC 0.00001.

Submission:

Labcorp Genetics (formerly Invitae), Labcorp
Classification: Uncertain significance for Neuroblastoma, susceptibility to, 3. Last evaluated: 2023-10-16. Review status: criteria provided, single submitter. Criteria: Invitae Variant Classification Sherloc (09022015). Collection method: clinical testing. Allele origin: germline.
Comment: This sequence change replaces serine, which is neutral and polar, with proline, which is neutral and non-polar, at codon 1560 of the ALK protein (p.Ser1560Pro). This variant is present in population databases (rs753622072, gnomAD 0.006%). This variant has not been reported in the literature in individuals affected with ALK-related conditions. An algorithm developed to predict the effect of missense changes on protein structure and function (PolyPhen-2) suggests that this variant is likely to be disruptive. In summary, the available evidence is currently insufficient to determine the role of this variant in disease. Therefore, it has been classified as a Variant of Uncertain Significance.

NM_004304.5(ALK):c.4678T>C (p.Ser1560Pro)

Gene: ALK (ALK receptor tyrosine kinase; minus strand). Cytogenetic location: 2p23.2.
Variant type: single nucleotide variant.
Coding change: c.4678T>C on transcript NM_004304.5 (MANE Select); coding-DNA position 4678, T replaced by C.
Protein change: p.Ser1560Pro; replaces serine 1560 with proline.
Molecular consequence: missense variant.
Genome position (GRCh38, 1-based): chr2:29,193,409, A>G on the plus strand (T>C on the coding strand, the complement: ALK is on the minus strand). VCF-style: chr2-29193409-A-G. GRCh37 (hg19) VCF-style: chr2-29416275-A-G.
Other names: c.1474T>C, p.Ser492Pro (NM_001353765.2); short protein forms S1560P, S492P.
Identifiers: ClinVar variation 2769040 (VCV002769040.3), dbSNP rs753622072, ClinGen allele CA1593516.
Genomic context (GRCh38, chr2:29,193,409, plus strand): 5'-CACAAGGGAAGTGACGTAGCCTGAACAGAGGTACCTCCTTCATATTGGCAGTCAGCGAAG[A>G]GGGCTCTAGGAGCAGTGAGGCCCCCGGAAGTCTCCCAGTTGCAACGTTAGGTGGGACAGT-3'
Protein context (NP_004295.2, residues 1550-1570): LPGASLLLEP[Ser1560Pro]SLTANMKEVP